The following is an entry in ClinVar:

ClinVar aggregate classification (germline): Likely benign (1 of 4 stars; one submission).

Submission:

GeneDx
Classification: Likely benign. Last evaluated: 2018-04-17. Review status: criteria provided, single submitter. Criteria: GeneDx Variant Classification (06012015). Collection method: clinical testing. Allele origin: germline. Affected: yes.
Comment: This variant is considered likely benign or benign based on one or more of the following criteria: it is a conservative change, it occurs at a poorly conserved position in the protein, it is predicted to be benign by multiple in silico algorithms, and/or has population frequency not consistent with disease.

NM_182916.3(TRNT1):c.-27-13A>T

Gene: TRNT1 (tRNA nucleotidyl transferase 1; plus strand). Cytogenetic location: 3p26.2.
Variant type: single nucleotide variant.
Coding change: c.-27-13A>T on transcript NM_182916.3 (MANE Select); 13 bases into the intron before 27 bases upstream of the start codon, A replaced by T.
Molecular consequence: intron variant.
Genome position (GRCh38, 1-based): chr3:3,129,001, A>T. VCF-style: chr3-3129001-A-T. GRCh37 (hg19) VCF-style: chr3-3170685-A-T.
Other names: c.-27-13A>T (NM_001367321.1, NM_001367323.1, NM_001367322.1 and 1 more transcripts).
Identifiers: ClinVar variation 681586 (VCV000681586.1), dbSNP rs1575035124, ClinGen allele CA915941799.
Genomic context (GRCh38, chr3:3,129,001, plus strand): 5'-GTGTCCCCCTTTGTTTTCCTTCACTTACCTTCACTTTTAATTTCATTGGTATGCCTGTGT[A>T]TTTGCCTTGTAGATGTGTAGTTGGTGACTGCCTCTCCAGATGCTGAGGTGCCTGTATCAT-3'